The following is an entry in ClinVar:

ClinVar aggregate classification (germline): Uncertain significance (1 of 4 stars; one submission).

Submission:

Labcorp Genetics (formerly Invitae), Labcorp
Classification: Uncertain significance. Last evaluated: 2022-05-03. Review status: criteria provided, single submitter. Criteria: Invitae Variant Classification Sherloc (09022015). Collection method: clinical testing. Allele origin: germline.
Comment: In summary, the available evidence is currently insufficient to determine the role of this variant in disease. Therefore, it has been classified as a Variant of Uncertain Significance. Advanced modeling of protein sequence and biophysical properties (such as structural, functional, and spatial information, amino acid conservation, physicochemical variation, residue mobility, and thermodynamic stability) performed at Invitae indicates that this missense variant is not expected to disrupt LRP2 protein function. This variant has not been reported in the literature in individuals affected with LRP2-related conditions. This variant is not present in population databases (gnomAD no frequency). This sequence change replaces alanine, which is neutral and non-polar, with serine, which is neutral and polar, at codon 4621 of the LRP2 protein (p.Ala4621Ser).

NM_004525.3(LRP2):c.13861G>T (p.Ala4621Ser)

Gene: LRP2 (LDL receptor related protein 2; minus strand). Cytogenetic location: 2q31.1.
Variant type: single nucleotide variant.
Coding change: c.13861G>T on transcript NM_004525.3 (MANE Select); coding-DNA position 13861, G replaced by T.
Protein change: p.Ala4621Ser; replaces alanine 4621 with serine.
Molecular consequence: missense variant.
Genome position (GRCh38, 1-based): chr2:169,128,770, C>A on the plus strand (G>T on the coding strand, the complement: LRP2 is on the minus strand). VCF-style: chr2-169128770-C-A. GRCh37 (hg19) VCF-style: chr2-169985280-C-A.
Other names: short protein forms A4621S.
Identifiers: ClinVar variation 2132758 (VCV002132758.4), dbSNP rs2545620548, ClinGen allele CA349148368.